The following is an entry in ClinVar:

NM_201384.3(PLEC):c.5948G>C (p.Arg1983Pro)

Gene: PLEC (plectin; minus strand). Cytogenetic location: 8q24.3.
Variant type: single nucleotide variant.
Coding change: c.5948G>C on transcript NM_201384.3 (MANE Select); coding-DNA position 5948, G replaced by C.
Protein change: p.Arg1983Pro; replaces arginine 1983 with proline.
Molecular consequence: missense variant. On other transcripts: intron variant (1).
Genome position (GRCh38, 1-based): chr8:143,923,981, C>G on the plus strand (G>C on the coding strand, the complement: PLEC is on the minus strand). VCF-style: chr8-143923981-C-G. GRCh37 (hg19) VCF-style: chr8-144998149-C-G.
Other names: c.6029G>C, p.Arg2010Pro (NM_000445.5); c.5906G>C, p.Arg1969Pro (NM_201378.4); c.5882G>C, p.Arg1961Pro (NM_201379.3); c.6359G>C, p.Arg2120Pro (NM_201380.4); c.5852G>C, p.Arg1951Pro (NM_201381.3); c.5948G>C, p.Arg1983Pro (NM_201382.4); c.5960G>C, p.Arg1987Pro (NM_201383.3); c.4126-1586G>C (NM_001410941.1); short protein forms R1951P, R1969P, R1987P, R1983P, R2120P, R1961P, R2010P.
Identifiers: ClinVar variation 2932976 (VCV002932976.3), dbSNP rs527947459, ClinGen allele CA372540589.

ClinVar aggregate classification (germline): Uncertain significance (1 of 4 stars; one submission).

Conditions:
Epidermolysis bullosa simplex with nail dystrophy (EBS5D). Identifiers: MedGen C4225309, MONDO:0014661, OMIM 616487.
Epidermolysis bullosa simplex 5C, with pyloric atresia (EBS5C). Also called: PLEC-Related Epidermolysis Bullosa with Pyloric Atresia; Epidermolysis bullosa simplex with pyloric atresia; PLEC1-Related Epidermolysis Bullosa with Pyloric Atresia. Identifiers: Orphanet 158684, MedGen C2677349, MONDO:0012807, OMIM 612138.
Autosomal recessive limb-girdle muscular dystrophy type 2Q (LGMDR17). Also called: MUSCULAR DYSTROPHY, LIMB-GIRDLE, AUTOSOMAL RECESSIVE 17. Identifiers: Orphanet 254361, MedGen C3150989, MONDO:0013390, OMIM 613723.
Epidermolysis bullosa simplex, Ogna type (EBS5A). Also called: Pidermolysis bullosa simplex 5A, Ogna type; EPIDERMOLYSIS BULLOSA SIMPLEX 5A, OGNA TYPE. Identifiers: Orphanet 79401, MedGen C0432317, MONDO:0007555, OMIM 131950.
Epidermolysis bullosa simplex 5B, with muscular dystrophy (EBS5B). Also called: EPIDERMOLYSIS BULLOSA SIMPLEX AND LIMB-GIRDLE MUSCULAR DYSTROPHY; Epidermolysis bullosa simplex with muscular dystrophy. Identifiers: Orphanet 257, MedGen C2931072, MONDO:0009181, OMIM 226670.

Submission:

Labcorp Genetics (formerly Invitae), Labcorp
Classification: Uncertain significance for Autosomal recessive limb-girdle muscular dystrophy type 2Q; Epidermolysis bullosa simplex, Ogna type; Epidermolysis bullosa simplex with nail dystrophy; Epidermolysis bullosa simplex 5C, with pyloric atresia; Epidermolysis bullosa simplex 5B, with muscular dystrophy. Last evaluated: 2023-02-14. Review status: criteria provided, single submitter. Criteria: Invitae Variant Classification Sherloc (09022015). Collection method: clinical testing. Allele origin: germline.
Comment: In summary, the available evidence is currently insufficient to determine the role of this variant in disease. Therefore, it has been classified as a Variant of Uncertain Significance. Algorithms developed to predict the effect of missense changes on protein structure and function are either unavailable or do not agree on the potential impact of this missense change (SIFT: "Deleterious"; PolyPhen-2: "Not Available"; Align-GVGD: "Class C65"). This variant has not been reported in the literature in individuals affected with PLEC-related conditions. This variant is not present in population databases (gnomAD no frequency). This sequence change replaces arginine, which is basic and polar, with proline, which is neutral and non-polar, at codon 2010 of the PLEC protein (p.Arg2010Pro).